The following is an entry in ClinVar:

NM_000186.4(CFH):c.1358T>C (p.Ile453Thr)

Gene: CFH (complement factor H; plus strand). Cytogenetic location: 1q31.3.
Variant type: single nucleotide variant.
Coding change: c.1358T>C on transcript NM_000186.4 (MANE Select); coding-DNA position 1358, T replaced by C.
Protein change: p.Ile453Thr; replaces isoleucine 453 with threonine.
Molecular consequence: missense variant.
Genome position (GRCh38, 1-based): chr1:196,713,756, T>C. VCF-style: chr1-196713756-T-C. GRCh37 (hg19) VCF-style: chr1-196682886-T-C.
Other names: short protein forms I453T.
Identifiers: ClinVar variation 4767844 (VCV004767844.1).

ClinVar aggregate classification (germline): Uncertain significance (1 of 4 stars; one submission).

gnomAD v4.1: 6 of 1,594,290 alleles (0.00038%); highest among the groups gnomAD compares: African/African-American, 0.0013%; no homozygotes.

Submission:

Labcorp Genetics (formerly Invitae), Labcorp
Classification: Uncertain significance. Last evaluated: 2025-09-09. Review status: criteria provided, single submitter. Criteria: Invitae Variant Classification Sherloc (09022015). Collection method: clinical testing. Allele origin: germline.
Comment: This sequence change replaces isoleucine, which is neutral and non-polar, with threonine, which is neutral and polar, at codon 453 of the CFH protein (p.Ile453Thr). This variant is not present in population databases (gnomAD no frequency). This variant has not been reported in the literature in individuals affected with CFH-related conditions. An algorithm developed to predict the effect of missense changes on protein structure and function outputs the following: PolyPhen-2: "Benign". The threonine amino acid residue is found in multiple mammalian species, which suggests that this missense change does not adversely affect protein function. In summary, the available evidence is currently insufficient to determine the role of this variant in disease. Therefore, it has been classified as a Variant of Uncertain Significance.